The following is an entry in ClinVar:

ClinVar aggregate classification (germline): Uncertain significance. Review status: criteria provided, multiple submitters, no conflicts (2 of 4 stars). 2 submissions from 2 submitters: Uncertain significance (2). Last evaluated 2026-08-18.

Conditions:
Cardiovascular phenotype. Identifiers: MedGen CN230736.
Long QT syndrome (LQTS). Identifiers: MedGen C0023976, MeSH D008133, MONDO:0002442. Disease mechanism: loss of function. Inheritance: Various modes of inheritance.

Allele frequency attached by ClinVar (database versions not stated): gnomAD exomes 0.00001 and below 0.00001; gnomAD 0.00001; TOPMed 0.00001.
gnomAD v4.1: 15 of 1,594,762 alleles (0.00094%); highest among the groups gnomAD compares: African/African-American, 0.0027%; no homozygotes.

Submissions (2):

Ambry Genetics
Classification: Uncertain significance for Cardiovascular phenotype. Last evaluated: 2026-08-18. Review status: criteria provided, single submitter. Criteria: Ambry Variant Classification Scheme 2023. Collection method: clinical testing. Allele origin: germline.
Comment: The c.3718-3C>T intronic variant results from a C to T substitution 3 nucleotides upstream from coding exon 29 in the CACNA1C gene. This nucleotide position is well conserved in available vertebrate species. In silico splice site analysis predicts that this alteration will not have any significant effect on splicing. Based on the available evidence, the clinical significance of this variant remains unclear.

Labcorp Genetics (formerly Invitae), Labcorp
Classification: Uncertain significance for Long QT syndrome. Last evaluated: 2024-05-23. Review status: criteria provided, single submitter. Criteria: Invitae Variant Classification Sherloc (09022015). Collection method: clinical testing. Allele origin: germline.
Comment: This sequence change falls in intron 28 of the CACNA1C gene. It does not directly change the encoded amino acid sequence of the CACNA1C protein. It affects a nucleotide within the consensus splice site. The frequency data for this variant in the population databases is considered unreliable, as metrics indicate poor data quality at this position in the gnomAD database. This variant has not been reported in the literature in individuals affected with CACNA1C-related conditions. ClinVar contains an entry for this variant (Variation ID: 1430684). Variants that disrupt the consensus splice site are a relatively common cause of aberrant splicing (PMID: 17576681, 9536098). Algorithms developed to predict the effect of sequence changes on RNA splicing suggest that this variant is not likely to affect RNA splicing. In summary, the available evidence is currently insufficient to determine the role of this variant in disease. Therefore, it has been classified as a Variant of Uncertain Significance.

Literature cited by the submitters: PubMed 17576681 (cited by Labcorp Genetics (formerly Invitae), Labcorp); PubMed 9536098 (cited by Labcorp Genetics (formerly Invitae), Labcorp).

NM_000719.7(CACNA1C):c.3718-3C>T

Gene: CACNA1C (calcium voltage-gated channel subunit alpha1 C; plus strand). Cytogenetic location: 12p13.33.
Variant type: single nucleotide variant.
Coding change: c.3718-3C>T on transcript NM_000719.7 (MANE Select); 3 bases into the intron before coding-DNA position 3718, C replaced by T.
Molecular consequence: intron variant.
Genome position (GRCh38, 1-based): chr12:2,611,900, C>T. VCF-style: chr12-2611900-C-T. GRCh37 (hg19) VCF-style: chr12-2721066-C-T.
Other names: c.3718-3C>T (NM_001167624.3, NM_001167623.2, NM_001167625.2 and 15 more transcripts); c.3778-3C>T (NM_199460.4, NM_001129827.2, NM_001129832.2); c.3709-3C>T (NM_001129844.2).
Identifiers: ClinVar variation 1430684 (VCV001430684.8), dbSNP rs1267424726, ClinGen allele CA602713567.